The following is an entry in ClinVar:

ClinVar aggregate classification (germline): Uncertain significance (1 of 4 stars; one submission).

Conditions:
Chromosome 2q32-q33 deletion syndrome (GLASS). Also called: Glass syndrome; 2q33.1 deletion syndrome. Identifiers: Orphanet 251019, MedGen C2676739, MONDO:0012864, OMIM 612313.

gnomAD v4.1: 2 of 1,614,132 alleles (0.00012%); highest among the groups gnomAD compares: Non-Finnish European, 0.000085%; no homozygotes.

Submission:

Labcorp Genetics (formerly Invitae), Labcorp
Classification: Uncertain significance for Chromosome 2q32-q33 deletion syndrome. Last evaluated: 2024-08-03. Review status: criteria provided, single submitter. Criteria: Invitae Variant Classification Sherloc (09022015). Collection method: clinical testing. Allele origin: germline.
Comment: This sequence change replaces arginine, which is basic and polar, with tryptophan, which is neutral and slightly polar, at codon 616 of the SATB2 protein (p.Arg616Trp). This variant is not present in population databases (gnomAD no frequency). This variant has not been reported in the literature in individuals affected with SATB2-related conditions. Advanced modeling of protein sequence and biophysical properties (such as structural, functional, and spatial information, amino acid conservation, physicochemical variation, residue mobility, and thermodynamic stability) performed at Invitae indicates that this missense variant is not expected to disrupt SATB2 protein function with a negative predictive value of 80%. In summary, the available evidence is currently insufficient to determine the role of this variant in disease. Therefore, it has been classified as a Variant of Uncertain Significance.

NM_001172509.2(SATB2):c.1846C>T (p.Arg616Trp)

Genes: SATB2 (SATB homeobox 2; minus strand), LOC126806462 (MED14-independent group 3 enhancer GRCh37_chr2:200136608-200137807; plus strand). Cytogenetic location: 2q33.1.
Variant type: single nucleotide variant.
Coding change: c.1846C>T on transcript NM_001172509.2 (MANE Select); coding-DNA position 1846, C replaced by T.
Protein change: p.Arg616Trp; replaces arginine 616 with tryptophan.
Molecular consequence: missense variant.
Genome position (GRCh38, 1-based): chr2:199,272,567, G>A on the plus strand (C>T on the coding strand, the complement: SATB2 is on the minus strand). VCF-style: chr2-199272567-G-A. GRCh37 (hg19) VCF-style: chr2-200137290-G-A.
Other names: c.1846C>T, p.Arg616Trp (NM_015265.4, NM_001172517.1); short protein forms R616W.
Identifiers: ClinVar variation 3682429 (VCV003682429.2).